The following is an entry in ClinVar:

ClinVar aggregate classification (germline): Likely benign. Review status: criteria provided, multiple submitters, no conflicts (2 of 4 stars). 4 submissions from 4 submitters: Likely benign (3). 1 of the submissions does not count toward it. Last evaluated 2025-01-13.

Conditions:
KDM6A-related disorder. Also called: KDM6A-related condition.
Kabuki syndrome 2 (KABUK2). Also called: KDM6A-Related Kabuki Syndrome. Identifiers: Orphanet 2322, MedGen C3275495, MONDO:0010465, OMIM 300867.
Inborn genetic diseases. Identifiers: MedGen C0950123, MeSH D030342.

Allele frequency attached by ClinVar (database versions not stated): TOPMed 0.00001; gnomAD exomes 0.00003; ExAC 0.00006.
gnomAD v4.1: 32 of 1,166,356 alleles (0.0027%); highest among the groups gnomAD compares: Non-Finnish European, 0.0027%; no homozygotes.

Submissions (4):

Labcorp Genetics (formerly Invitae), Labcorp
Classification: Likely benign for Kabuki syndrome 2. Last evaluated: 2025-01-13. Review status: criteria provided, single submitter. Criteria: Invitae Variant Classification Sherloc (09022015). Collection method: clinical testing. Allele origin: germline.

Ambry Genetics
Classification: Likely benign for Inborn genetic diseases. Last evaluated: 2024-11-22. Review status: criteria provided, single submitter. Criteria: Ambry Variant Classification Scheme 2023. Collection method: clinical testing. Allele origin: germline.

Blueprint Genetics
Classification: Likely benign. Last evaluated: 2024-09-03. Review status: criteria provided, single submitter. Criteria: ACMG Guidelines, 2015. Collection method: clinical testing. Allele origin: germline.

PreventionGenetics, part of Exact Sciences
Classification: Likely benign for KDM6A-related condition. Last evaluated: 2022-12-29. Review status: no assertion criteria provided. Collection method: clinical testing. Allele origin: germline. Not counted in ClinVar's aggregate classification.
Comment: This variant is classified as likely benign based on ACMG/AMP sequence variant interpretation guidelines (Richards et al. 2015 PMID: 25741868, with internal and published modifications).

NM_001291415.2(KDM6A):c.3434A>C (p.Asp1145Ala)

Gene: KDM6A (lysine demethylase 6A; plus strand). Cytogenetic location: Xp11.3.
Variant type: single nucleotide variant.
Coding change: c.3434A>C on transcript NM_001291415.2 (MANE Select); coding-DNA position 3434, A replaced by C.
Protein change: p.Asp1145Ala; replaces aspartic acid 1145 with alanine.
Molecular consequence: missense variant. On other transcripts: non-coding transcript variant (1).
Genome position (GRCh38, 1-based): chrX:45,082,783, A>C. VCF-style: chrX-45082783-A-C. GRCh37 (hg19) VCF-style: chrX-44942028-A-C.
Other names: c.3299A>C, p.Asp1100Ala (NM_001291416.2); c.3143A>C, p.Asp1048Ala (NM_001291417.2); c.3041A>C, p.Asp1014Ala (NM_001291418.2); c.2390A>C, p.Asp797Ala (NM_001291421.2); c.3176A>C, p.Asp1059Ala (NM_001410742.1); c.3278A>C, p.Asp1093Ala (NM_021140.4); c.3278A>C (NM_021140.3, NM_021140.2); short protein forms D1048A, D797A, D1014A, D1093A, D1059A, D1100A, D1145A.
Identifiers: ClinVar variation 1977020 (VCV001977020.9), dbSNP rs777638843, ClinGen allele CA10392672.